The following is an entry in ClinVar:

NM_000831.4(GRIK3):c.1545C>T (p.Ala515=)

Gene: GRIK3 (glutamate ionotropic receptor kainate type subunit 3; minus strand). Cytogenetic location: 1p34.3.
Variant type: single nucleotide variant.
Coding change: c.1545C>T on transcript NM_000831.4 (MANE Select); coding-DNA position 1545, C replaced by T.
Protein change: p.Ala515=; no amino-acid change (alanine 515 retained).
Molecular consequence: synonymous variant.
Genome position (GRCh38, 1-based): chr1:36,825,812, G>A on the plus strand (C>T on the coding strand, the complement: GRIK3 is on the minus strand). VCF-style: chr1-36825812-G-A. GRCh37 (hg19) VCF-style: chr1-37291413-G-A.
Identifiers: ClinVar variation 2638677 (VCV002638677.24), dbSNP rs769859438, ClinGen allele CA769933.

ClinVar aggregate classification (germline): Likely benign (1 of 4 stars; one submission).

Allele frequency attached by ClinVar (database versions not stated): ExAC 0.00001; gnomAD 0.00001; TOPMed 0.00001; gnomAD exomes 0.00004.
gnomAD v4.1: 62 of 1,609,346 alleles (0.0039%); highest among the groups gnomAD compares: Non-Finnish European, 0.0051%; no homozygotes.

Submission:

CeGaT Center for Human Genetics Tuebingen
Classification: Likely benign. Last evaluated: 2022-11-01. Review status: criteria provided, single submitter. Criteria: CeGaT Center For Human Genetics Tuebingen Variant Classification Criteria Version 2. Collection method: clinical testing. Allele origin: germline. Affected: yes. Observed: 1 variant allele.
Comment: GRIK3: BP4, BP7